The following is an entry in ClinVar:

Conditions:
Breast-ovarian cancer, familial, susceptibility to, 1 (BROVCA1). Also called: BRCA1 Hereditary Breast and Ovarian Cancer; OVARIAN CANCER, SUSCEPTIBILITY TO. Identifiers: Orphanet 145, MedGen C2676676, MONDO:0011450, OMIM 604370. Disease mechanism: loss of function.

Submission:

Brotman Baty Institute, University of Washington
No classification provided (evidence only). Condition: Breast-ovarian cancer, familial 1. Review status: no classification provided. Collection method: in vitro. Allele origin: not applicable. Functional consequence: functionally_normal.
ClinVar note: "not provided" was previously submitted as the classification for the variant. However, the classification appeared to be based only on an observation of functional data so it was converted to no classification on 2025-07-30.

NM_007294.4(BRCA1):c.5153-7T>C

Gene: BRCA1 (BRCA1 DNA repair associated; minus strand). Cytogenetic location: 17q21.31.
Variant type: single nucleotide variant.
Coding change: c.5153-7T>C on transcript NM_007294.4 (MANE Select); 7 bases into the intron before coding-DNA position 5153, T replaced by C.
Molecular consequence: intron variant.
Genome position (GRCh38, 1-based): chr17:43,063,380, A>G on the plus strand (T>C on the coding strand, the complement: BRCA1 is on the minus strand). VCF-style: chr17-43063380-A-G. GRCh37 (hg19) VCF-style: chr17-41215397-A-G.
Other names: c.5027-7T>C (NM_001407670.1, NM_001407675.1, NM_001407680.1 and 10 more transcripts); c.1721-7T>C (NM_001408431.1, NM_001408425.1, NM_001408428.1 and 4 more transcripts); c.1724-7T>C (NM_001408424.1, NM_001408422.1, NM_001408423.1 and 1 more transcripts); c.1835-7T>C (NM_001408407.1, NM_001408406.1, NM_001408408.1); c.1838-7T>C (NM_001408402.1, NM_001408473.1, NM_001408399.1 and 8 more transcripts); c.1841-7T>C (NM_001407984.1, NM_001407983.1, NM_001407992.1 and 12 more transcripts); c.5144-7T>C (NM_001407645.1, NM_001407644.1); c.5147-7T>C (NM_001407628.1, NM_001407637.1, NM_001407641.1 and 14 more transcripts); and 72 more.
Identifiers: ClinVar variation 867424 (VCV000867424.3), dbSNP rs2051874134, ClinGen allele CA916080055.